The following is an entry in ClinVar:

ClinVar aggregate classification (germline): Uncertain significance (1 of 4 stars; one submission).

Conditions:
Cardiovascular phenotype. Identifiers: MedGen CN230736.

Submission:

Ambry Genetics
Classification: Uncertain significance for Cardiovascular phenotype. Last evaluated: 2018-02-06. Review status: criteria provided, single submitter. Criteria: Ambry Variant Classification Scheme 2023. Collection method: clinical testing. Allele origin: germline.
Comment: The p.A309P variant (also known as c.925G>C), located in coding exon 4 of the GATA4 gene, results from a G to C substitution at nucleotide position 925. The alanine at codon 309 is replaced by proline, an amino acid with highly similar properties. This amino acid position is highly conserved in available vertebrate species. In addition, this alteration is predicted to be deleterious by in silico analysis. Since supporting evidence is limited at this time, the clinical significance of this alteration remains unclear.

NM_001308093.3(GATA4):c.928G>C (p.Ala310Pro)

Gene: GATA4 (GATA binding protein 4). Cytogenetic location: 8p23.1.
Variant type: single nucleotide variant.
Coding change: c.928G>C on transcript NM_001308093.3 (MANE Select); coding-DNA position 928, G replaced by C.
Protein change: p.Ala310Pro; replaces alanine 310 with proline.
Molecular consequence: missense variant.
Genome position (GRCh38, 1-based): chr8:11,755,061, G>C. VCF-style: chr8-11755061-G-C. GRCh37 (hg19) VCF-style: chr8-11612570-G-C.
Other names: c.307G>C, p.Ala103Pro (NM_001308094.2, NM_001374273.1); c.181G>C, p.Ala61Pro (NM_001374274.1); c.925G>C, p.Ala309Pro (NM_002052.5); short protein forms A310P, A309P, A103P, A61P.
Identifiers: ClinVar variation 1766371 (VCV001766371.2), dbSNP rs1802486519, ClinGen allele CA370314366.